The following is an entry in ClinVar:

NM_203446.3(SYNJ1):c.7T>C (p.Phe3Leu)

Gene: SYNJ1 (synaptojanin 1; minus strand). Cytogenetic location: 21q22.11.
Variant type: single nucleotide variant.
Coding change: c.7T>C on transcript NM_203446.3 (MANE Select); coding-DNA position 7, T replaced by C.
Protein change: p.Phe3Leu; replaces phenylalanine 3 with leucine.
Molecular consequence: missense variant.
Genome position (GRCh38, 1-based): chr21:32,726,889, A>G on the plus strand (T>C on the coding strand, the complement: SYNJ1 is on the minus strand). VCF-style: chr21-32726889-A-G. GRCh37 (hg19) VCF-style: chr21-34099200-A-G.
Other names: c.7T>C, p.Phe3Leu (NM_001160302.2, NM_001160306.2); c.124T>C, p.Phe42Leu (NM_003895.4); short protein forms F42L, F3L.
Identifiers: ClinVar variation 2177165 (VCV002177165.4), dbSNP rs2517070042, ClinGen allele CA410078411.

ClinVar aggregate classification (germline): Uncertain significance (1 of 4 stars; one submission).

Conditions:
Developmental and epileptic encephalopathy, 53. Also called: Epileptic encephalopathy, early infantile, 53. Identifiers: MedGen C4479313, MONDO:0033362, OMIM 617389.
Early-onset Parkinson disease 20. Also called: PARKINSON DISEASE 20, AUTOSOMAL RECESSIVE EARLY-ONSET. Identifiers: Orphanet 391411, MedGen C3809824, MONDO:0014233, OMIM 615530.

Submission:

Labcorp Genetics (formerly Invitae), Labcorp
Classification: Uncertain significance for Developmental and epileptic encephalopathy, 53; Early-onset Parkinson disease 20. Last evaluated: 2022-03-27. Review status: criteria provided, single submitter. Criteria: Invitae Variant Classification Sherloc (09022015). Collection method: clinical testing. Allele origin: germline.
Comment: This variant is not present in population databases (gnomAD no frequency). This sequence change replaces phenylalanine, which is neutral and non-polar, with leucine, which is neutral and non-polar, at codon 42 of the SYNJ1 protein (p.Phe42Leu). This variant has not been reported in the literature in individuals affected with SYNJ1-related conditions. In summary, the available evidence is currently insufficient to determine the role of this variant in disease. Therefore, it has been classified as a Variant of Uncertain Significance. Algorithms developed to predict the effect of missense changes on protein structure and function (SIFT, PolyPhen-2, Align-GVGD) all suggest that this variant is likely to be tolerated.